The following is an entry in ClinVar:

ClinVar aggregate classification (germline): Pathogenic. Review status: criteria provided, multiple submitters, no conflicts (2 of 4 stars). 2 submissions from 2 submitters: Pathogenic (2). Last evaluated 2026-09-01.

Conditions:
Hypophosphatasia. Also called: Phosphoethanol-aminuria. Identifiers: Orphanet 436, MedGen C0020630, MeSH D007014, MONDO:0018570.
Adult hypophosphatasia. Identifiers: Orphanet 247676, Orphanet 436, MedGen C0268413, MONDO:1010154, OMIM 146300, MONDO:0007798.

Submissions (2):

Genomenon, Inc
Classification: Pathogenic for Hypophosphatasia. Last evaluated: 2026-09-01. Review status: criteria provided, single submitter. Criteria: Genomenon Sequence Variant Interpretation Standards - Updated. Collection method: curation. Allele origin: germline. Affected: yes.
Comment: ALPL c.1190-2A>T is a canonical splice variant affecting the acceptor splice site of intron 10. It is predicted to affect mRNA splicing, leading to a deleterious effect on the ALPL protein. This variant has been observed in at least one proband affected with an ALPL-related disorder (PMID:39685776). It is absent or not present at a significant frequency in gnomAD. In conclusion, we classify ALPL c.1190-2A>T as a pathogenic variant.

Institute of Human Genetics, University of Leipzig Medical Center
Classification: Pathogenic for Adult hypophosphatasia. Last evaluated: 2018-01-17. Review status: criteria provided, single submitter. Criteria: ACMG Guidelines, 2015. Collection method: clinical testing. Allele origin: germline. Affected: yes. Observed: 1 variant allele.

Literature cited by the submitters: PubMed 39685776 (cited by Genomenon, Inc).

NM_000478.6(ALPL):c.1190-2A>T

Gene: ALPL (alkaline phosphatase, biomineralization associated; plus strand). Cytogenetic location: 1p36.12.
Variant type: single nucleotide variant.
Coding change: c.1190-2A>T on transcript NM_000478.6 (MANE Select); the canonical splice acceptor site of the intron before coding-DNA position 1190, A replaced by T.
Molecular consequence: splice acceptor variant.
Genome position (GRCh38, 1-based): chr1:21,576,520, A>T. VCF-style: chr1-21576520-A-T. GRCh37 (hg19) VCF-style: chr1-21903013-A-T.
Other names: c.1190-2A>T (NM_001369805.2, NM_001369804.2, NM_001369803.2); c.1025-2A>T (NM_001127501.4); c.959-2A>T (NM_001177520.3).
Identifiers: ClinVar variation 976090 (VCV000976090.2), dbSNP rs1644739549, ClinGen allele CA338881614.